The following is an entry in ClinVar:

NM_001286577.2(C2CD3):c.10C>T (p.Arg4Ter)

Gene: C2CD3 (C2 domain containing 3 centriole elongation regulator; minus strand). Cytogenetic location: 11q13.4.
Variant type: single nucleotide variant.
Coding change: c.10C>T on transcript NM_001286577.2 (MANE Select); coding-DNA position 10, C replaced by T.
Protein change: p.Arg4Ter; replaces arginine 4 with a stop codon.
Molecular consequence: nonsense.
Genome position (GRCh38, 1-based): chr11:74,170,783, G>A on the plus strand (C>T on the coding strand, the complement: C2CD3 is on the minus strand). VCF-style: chr11-74170783-G-A. GRCh37 (hg19) VCF-style: chr11-73881828-G-A.
Other names: c.10C>T, p.Arg4Ter (NM_015531.6); short protein forms R4*.
Identifiers: ClinVar variation 3613681 (VCV003613681.2).

ClinVar aggregate classification (germline): Pathogenic (1 of 4 stars; one submission).

gnomAD v4.1: 72 of 1,613,962 alleles (0.0045%); highest among the groups gnomAD compares: Non-Finnish European, 0.006%; no homozygotes.

Submission:

Labcorp Genetics (formerly Invitae), Labcorp
Classification: Pathogenic. Last evaluated: 2025-04-29. Review status: criteria provided, single submitter. Criteria: Invitae Variant Classification Sherloc (09022015). Collection method: clinical testing. Allele origin: germline.
Comment: This sequence change creates a premature translational stop signal (p.Arg4*) in the C2CD3 gene. It is expected to result in an absent or disrupted protein product. Loss-of-function variants in C2CD3 are known to be pathogenic (PMID: 24997988, 26477546). This variant is present in population databases (no rsID available, gnomAD 0.002%). This variant has not been reported in the literature in individuals affected with C2CD3-related conditions. ClinVar contains an entry for this variant (Variation ID: 3613681). For these reasons, this variant has been classified as Pathogenic.

Literature cited by the submitters: PubMed 24997988; PubMed 26477546.